The following is an entry in ClinVar:

ClinVar aggregate classification (germline): Uncertain significance. Review status: criteria provided, multiple submitters, no conflicts (2 of 4 stars). 5 submissions from 5 submitters: Uncertain significance (4). 1 of the submissions does not count toward it. Last evaluated 2024-08-28.

Conditions:
Inborn genetic diseases. Identifiers: MedGen C0950123, MeSH D030342.
Neuromuscular disease caused by qualitative or quantitative defects of dysferlin. Also called: Dysferlinopathy; Qualitative or quantitative defects of dysferlin. Identifiers: Orphanet 207073, MedGen C2931687, MONDO:0016145.
Autosomal recessive limb-girdle muscular dystrophy type 2B (LGMDR2). Also called: MUSCULAR DYSTROPHY, LIMB-GIRDLE, TYPE 3; Limb-Girdle Muscular Dystrophy Type 2B (LGMD2B); Limb-girdle muscular dystrophy, type 2B; MUSCULAR DYSTROPHY, LIMB-GIRDLE, AUTOSOMAL RECESSIVE 2. Identifiers: Orphanet 268, MedGen C1850889, MONDO:0009676, OMIM 253601.

Allele frequency attached by ClinVar (database versions not stated): ExAC 0.00002; gnomAD 0.00004; gnomAD exomes 0.00004; TOPMed 0.00004; ESP Exome Variant Server 0.00008.
gnomAD v4.1: 138 of 1,613,990 alleles (0.0086%); highest among the groups gnomAD compares: Non-Finnish European, 0.011%; 1 homozygote.

Submissions (5):

Ambry Genetics
Classification: Uncertain significance for Inborn genetic diseases. Last evaluated: 2024-08-28. Review status: criteria provided, single submitter. Criteria: Ambry Variant Classification Scheme 2023. Collection method: clinical testing. Allele origin: germline.

Revvity Omics, Revvity
Classification: Uncertain significance. Last evaluated: 2024-02-08. Review status: criteria provided, single submitter. Criteria: ACMG Guidelines, 2015. Collection method: clinical testing. Allele origin: germline.

Labcorp Genetics (formerly Invitae), Labcorp
Classification: Uncertain significance for Neuromuscular disease caused by qualitative or quantitative defects of dysferlin. Last evaluated: 2022-09-19. Review status: criteria provided, single submitter. Criteria: Invitae Variant Classification Sherloc (09022015). Collection method: clinical testing. Allele origin: germline.
Comment: This sequence change replaces arginine, which is basic and polar, with cysteine, which is neutral and slightly polar, at codon 1093 of the DYSF protein (p.Arg1093Cys). This variant is present in population databases (rs372817333, gnomAD 0.008%). This variant has not been reported in the literature in individuals affected with DYSF-related conditions. ClinVar contains an entry for this variant (Variation ID: 288793). Advanced modeling of protein sequence and biophysical properties (such as structural, functional, and spatial information, amino acid conservation, physicochemical variation, residue mobility, and thermodynamic stability) performed at Invitae indicates that this missense variant is not expected to disrupt DYSF protein function. In summary, the available evidence is currently insufficient to determine the role of this variant in disease. Therefore, it has been classified as a Variant of Uncertain Significance.

Eurofins Ntd Llc (ga)
Classification: Uncertain significance. Last evaluated: 2016-07-15. Review status: criteria provided, single submitter. Criteria: EGL Classification Definitions 2015. Collection method: clinical testing. Allele origin: germline. Observed: 1 variant allele, 1 heterozygote.

Natera, Inc.
Classification: Uncertain significance for Limb-girdle muscular dystrophy type 2B. Last evaluated: 2020-02-12. Review status: no assertion criteria provided. Collection method: clinical testing. Allele origin: germline. Not counted in ClinVar's aggregate classification.

NM_001130987.2(DYSF):c.3331C>T (p.Arg1111Cys)

Gene: DYSF (dysferlin; plus strand). Cytogenetic location: 2p13.2.
Variant type: single nucleotide variant.
Coding change: c.3331C>T on transcript NM_001130987.2 (MANE Select); coding-DNA position 3331, C replaced by T.
Protein change: p.Arg1111Cys; replaces arginine 1111 with cysteine.
Molecular consequence: missense variant.
Genome position (GRCh38, 1-based): chr2:71,574,300, C>T. VCF-style: chr2-71574300-C-T. GRCh37 (hg19) VCF-style: chr2-71801430-C-T.
Other names: c.3280C>T, p.Arg1094Cys (NM_001130455.2, NM_001130983.2); c.3235C>T, p.Arg1079Cys (NM_001130976.2, NM_001130977.2); c.3277C>T, p.Arg1093Cys (NM_001130978.2, NM_003494.4); c.3370C>T, p.Arg1124Cys (NM_001130979.2); c.3328C>T, p.Arg1110Cys (NM_001130980.2, NM_001130981.2); c.3373C>T, p.Arg1125Cys (NM_001130982.2); c.3238C>T, p.Arg1080Cys (NM_001130984.2, NM_001130986.2); c.3331C>T, p.Arg1111Cys (NM_001130985.2); short protein forms R1093C, R1111C, R1079C, R1080C, R1110C, R1094C, R1124C, R1125C.
Identifiers: ClinVar variation 288793 (VCV000288793.14), dbSNP rs372817333, ClinGen allele CA1706525.